The following is an entry in ClinVar:

ClinVar aggregate classification (germline): Pathogenic (1 of 4 stars; one submission).

Conditions:
Glycogen storage disease, type IV (GSD4). Also called: BRANCHER DEFICIENCY; AMYLOPECTINOSIS; ANDERSEN DISEASE; CIRRHOSIS, FAMILIAL, WITH DEPOSITION OF ABNORMAL GLYCOGEN; Glycogen storage disease due to glycogen branching enzyme deficiency; GBE1 DEFICIENCY. Identifiers: Orphanet 367, MedGen C0017923, MONDO:0009292, OMIM 232500.
Glycogen storage disease IV, classic hepatic. Also called: GSD IV, CLASSIC HEPATIC. Identifiers: MedGen C1856301.

Submission:

Labcorp Genetics (formerly Invitae), Labcorp
Classification: Pathogenic for Glycogen storage disease, type IV; Glycogen storage disease IV, classic hepatic. Last evaluated: 2024-03-01. Review status: criteria provided, single submitter. Criteria: Invitae Variant Classification Sherloc (09022015). Collection method: clinical testing. Allele origin: germline.
Comment: This sequence change creates a premature translational stop signal (p.Asn58Hisfs*5) in the GBE1 gene. It is expected to result in an absent or disrupted protein product. Loss-of-function variants in GBE1 are known to be pathogenic (PMID: 15452297, 20058079). This variant is not present in population databases (gnomAD no frequency). This variant has not been reported in the literature in individuals affected with GBE1-related conditions. For these reasons, this variant has been classified as Pathogenic.

Literature cited by the submitters: PubMed 15452297; PubMed 20058079.

NM_000158.4(GBE1):c.172_173del (p.Asn58fs)

Gene: GBE1 (1,4-alpha-glucan branching enzyme 1; minus strand). Cytogenetic location: 3p12.2.
Variant type: Deletion.
Coding change: c.172_173del on transcript NM_000158.4 (MANE Select); coding-DNA positions 172 to 173, 2 bases deleted (AA; older notation c.172_173delAA).
Protein change: p.Asn58fs; shifts the reading frame from asparagine 58.
Molecular consequence: frameshift variant.
Genome position (GRCh38, 1-based): chr3:81,705,584-81,705,585, TT deleted on the plus strand (AA on the coding strand, the reverse complement: GBE1 is on the minus strand). VCF-style (leftmost placement, unchanged base first): chr3-81705583-GTT-G. GRCh37 (hg19) VCF-style: chr3-81754734-GTT-G.
Other names: short protein forms N58fs.
Identifiers: ClinVar variation 2952729 (VCV002952729.3), dbSNP rs2471917592, ClinGen allele CA2740094516.